The following is an entry in ClinVar:

NM_152594.3(SPRED1):c.196A>C (p.Arg66=)

Gene: SPRED1 (sprouty related EVH1 domain containing 1; plus strand). Cytogenetic location: 15q14.
Variant type: single nucleotide variant.
Coding change: c.196A>C on transcript NM_152594.3 (MANE Select); coding-DNA position 196, A replaced by C.
Protein change: p.Arg66=; no amino-acid change (arginine 66 retained).
Molecular consequence: synonymous variant.
Genome position (GRCh38, 1-based): chr15:38,299,536, A>C. VCF-style: chr15-38299536-A-C. GRCh37 (hg19) VCF-style: chr15-38591737-A-C.
Identifiers: ClinVar variation 451047 (VCV000451047.11), dbSNP rs751923342, ClinGen allele CA7470008.

ClinVar aggregate classification (germline): Conflicting classifications of pathogenicity. Review status: criteria provided, conflicting classifications (1 of 4 stars). 3 submissions from 3 submitters: Uncertain significance (1); Likely benign (2). Last evaluated 2025-06-27.

Conditions:
Cardiovascular phenotype. Identifiers: MedGen CN230736.
Legius syndrome. Identifiers: Orphanet 137605, MedGen C1969623, MONDO:0012669, OMIM 611431. Disease mechanism: loss of function.

Allele frequency attached by ClinVar (database versions not stated): gnomAD exomes below 0.00001; ExAC 0.00001; gnomAD 0.00001; TOPMed 0.00001.
gnomAD v4.1: 1 of 1,613,796 alleles (0.000062%); highest among the groups gnomAD compares: African/African-American, 0.0013%; no homozygotes.

Submissions (3):

Labcorp Genetics (formerly Invitae), Labcorp
Classification: Likely benign for Legius syndrome. Last evaluated: 2025-06-27. Review status: criteria provided, single submitter. Criteria: Invitae Variant Classification Sherloc (09022015). Collection method: clinical testing. Allele origin: germline.

Ambry Genetics
Classification: Likely benign for Cardiovascular phenotype. Last evaluated: 2023-01-12. Review status: criteria provided, single submitter. Criteria: Ambry Variant Classification Scheme 2023. Collection method: clinical testing. Allele origin: germline.

GeneDx
Classification: Uncertain significance. Last evaluated: 2017-07-31. Review status: criteria provided, single submitter. Criteria: GeneDx Variant Classification (06012015). Collection method: clinical testing. Allele origin: germline. Affected: yes.
Comment: The c.196 A>C (R66=) variant has not been published as a pathogenic variant, nor has it been reported as a benign variant to our knowledge. The variant is observed in 1/11492 (0.0087%) alleles from individuals of Latino background in the ExAC dataset (Lek et al., 2016). c.196 A>C is a synonymous variant, and in silico analysis predicts this variant likely does not alter gene splicing. However, this variant occurs at a position that is conserved across species. In summary, based on the currently available information, it is unclear whether this variant is a pathogenic variant or a rare benign variant.